The following is an entry in ClinVar:

NM_001365536.1(SCN9A):c.1315-5A>G

Genes: SCN1A-AS1 (SCN1A and SCN9A antisense RNA 1; plus strand), SCN9A (sodium voltage-gated channel alpha subunit 9; minus strand). Cytogenetic location: 2q24.3.
Variant type: single nucleotide variant.
Coding change: c.1315-5A>G on transcript NM_001365536.1 (MANE Select); 5 bases into the intron before coding-DNA position 1315, A replaced by G.
Molecular consequence: intron variant.
Genome position (GRCh38, 1-based): chr2:166,286,628, T>C on the plus strand (A>G on the coding strand, the complement: SCN9A is on the minus strand). VCF-style: chr2-166286628-T-C. GRCh37 (hg19) VCF-style: chr2-167143138-T-C.
Other names: c.1315-5A>G (NM_002977.4).
Identifiers: ClinVar variation 2940076 (VCV002940076.3), dbSNP rs2468041633, ClinGen allele CA2740095859.

ClinVar aggregate classification (germline): Uncertain significance (1 of 4 stars; one submission).

Conditions:
Neuropathy, hereditary sensory and autonomic, type 2A (HSAN2A). Also called: ACROOSTEOLYSIS, GIACCAI TYPE; ACROOSTEOLYSIS, NEUROGENIC; MORVAN DISEASE; NEUROPATHY, CONGENITAL SENSORY; NEUROPATHY, HEREDITARY SENSORY RADICULAR, AUTOSOMAL RECESSIVE; NEUROPATHY, HEREDITARY SENSORY, TYPE IIA. Identifiers: Orphanet 970, MedGen C2752089, MONDO:0024309, OMIM 201300.
Generalized epilepsy with febrile seizures plus, type 7 (GEFSP7). Also called: GEFS+, TYPE 7. Identifiers: Orphanet 36387, MedGen C2751778, MONDO:0013470, OMIM 613863.

Submission:

Labcorp Genetics (formerly Invitae), Labcorp
Classification: Uncertain significance for Neuropathy, hereditary sensory and autonomic, type 2A; Generalized epilepsy with febrile seizures plus, type 7. Last evaluated: 2023-05-22. Review status: criteria provided, single submitter. Criteria: Invitae Variant Classification Sherloc (09022015). Collection method: clinical testing. Allele origin: germline.
Comment: In summary, the available evidence is currently insufficient to determine the role of this variant in disease. Therefore, it has been classified as a Variant of Uncertain Significance. Algorithms developed to predict the effect of sequence changes on RNA splicing suggest that this variant may disrupt the consensus splice site. This variant has not been reported in the literature in individuals affected with SCN9A-related conditions. This variant is not present in population databases (gnomAD no frequency). This sequence change falls in intron 10 of the SCN9A gene. It does not directly change the encoded amino acid sequence of the SCN9A protein.